The following is an entry in ClinVar:

NM_001244710.2(GFPT1):c.670A>G (p.Ile224Val)

Gene: GFPT1 (glutamine--fructose-6-phosphate transaminase 1; minus strand). Cytogenetic location: 2p13.3.
Variant type: single nucleotide variant.
Coding change: c.670A>G on transcript NM_001244710.2 (MANE Select); coding-DNA position 670, A replaced by G.
Protein change: p.Ile224Val; replaces isoleucine 224 with valine.
Molecular consequence: missense variant.
Genome position (GRCh38, 1-based): chr2:69,354,504, T>C on the plus strand (A>G on the coding strand, the complement: GFPT1 is on the minus strand). VCF-style: chr2-69354504-T-C. GRCh37 (hg19) VCF-style: chr2-69581636-T-C.
Other names: c.670A>G, p.Ile224Val (NM_002056.4); short protein forms I224V.
Identifiers: ClinVar variation 861046 (VCV000861046.1), dbSNP rs1489383761, ClinGen allele CA347129883.
Genomic context (GRCh38, chr2:69,354,504, plus strand): 5'-TAATTCTTCATATCTACTGCACTGCATTTGTAGAGGTAATTTTACCTGTTCTGTAGAGTA[T>C]AGGAATGTGATCAGTAGAAAGTTTATGTTCACTCCGTACACCAATCAACAGAGGGCTACC-3'
Protein context (NP_001231639.1, residues 214-234): EHKLSTDHIP[Ile224Val]LYRTARTQIG

ClinVar aggregate classification (germline): Uncertain significance (1 of 4 stars; one submission).

Conditions:
Congenital myasthenic syndrome 12 (CMS12). Also called: MYASTHENIC SYNDROME, CONGENITAL, WITH TUBULAR AGGREGATES 1; Myasthenia, congenital, 12, with tubular aggregates. Identifiers: Orphanet 353327, Orphanet 590, MedGen C3552335, MONDO:0012518, OMIM 610542.

Allele frequency attached by ClinVar (database versions not stated): gnomAD exomes below 0.00001 and 0.00001; TOPMed below 0.00001; gnomAD 0.00001.
gnomAD v4.1: 14 of 1,595,802 alleles (0.00088%); highest among the groups gnomAD compares: African/African-American, 0.0013%; no homozygotes.

Submission:

Labcorp Genetics (formerly Invitae), Labcorp
Classification: Uncertain significance for Congenital myasthenic syndrome 12. Last evaluated: 2019-01-31. Review status: criteria provided, single submitter. Criteria: Invitae Variant Classification Sherloc (09022015). Collection method: clinical testing. Allele origin: germline.
Comment: This sequence change replaces isoleucine with valine at codon 224 of the GFPT1 protein (p.Ile224Val). The isoleucine residue is moderately conserved and there is a small physicochemical difference between isoleucine and valine. This variant is not present in population databases (ExAC no frequency). This variant has not been reported in the literature in individuals with GFPT1-related conditions. Algorithms developed to predict the effect of missense changes on protein structure and function (SIFT, PolyPhen-2, Align-GVGD) all suggest that this variant is likely to be tolerated, but these predictions have not been confirmed by published functional studies and their clinical significance is uncertain. In summary, the available evidence is currently insufficient to determine the role of this variant in disease. Therefore, it has been classified as a Variant of Uncertain Significance.